The following is an entry in ClinVar:

NM_018089.3(ANKZF1):c.716G>A (p.Arg239Gln)

Gene: ANKZF1 (ankyrin repeat and zinc finger peptidyl tRNA hydrolase 1; plus strand). Cytogenetic location: 2q35.
Variant type: single nucleotide variant.
Coding change: c.716G>A on transcript NM_018089.3 (MANE Select); coding-DNA position 716, G replaced by A.
Protein change: p.Arg239Gln; replaces arginine 239 with glutamine.
Molecular consequence: missense variant.
Genome position (GRCh38, 1-based): chr2:219,233,330, G>A. VCF-style: chr2-219233330-G-A. GRCh37 (hg19) VCF-style: chr2-220098052-G-A.
Other names: c.716G>A, p.Arg239Gln (NM_001042410.2); c.86G>A, p.Arg29Gln (NM_001282792.2); short protein forms R239Q, R29Q.
Identifiers: ClinVar variation 3057795 (VCV003057795.2), dbSNP rs754953343, ClinGen allele CA2120845.

ClinVar aggregate classification (germline): Uncertain significance (0 of 4 stars; one submission).

Conditions:
ANKZF1-related disorder. Also called: ANKZF1-related condition.

Allele frequency attached by ClinVar (database versions not stated): ExAC 0.00001; gnomAD exomes 0.00001.
gnomAD v4.1: 18 of 1,614,236 alleles (0.0011%); highest among the groups gnomAD compares: Middle Eastern, 0.049%; 1 homozygote.

Submission:

PreventionGenetics, part of Exact Sciences
Classification: Uncertain significance for ANKZF1-related condition. Last evaluated: 2023-11-08. Review status: no assertion criteria provided. Collection method: clinical testing. Allele origin: germline.
Comment: The ANKZF1 c.716G>A variant is predicted to result in the amino acid substitution p.Arg239Gln. To our knowledge, this variant has not been reported in the literature. This variant is reported in 0.0018% of alleles in individuals of European (Non-Finnish) descent in gnomAD. At this time, the clinical significance of this variant is uncertain due to the absence of conclusive functional and genetic evidence.